The following is an entry in ClinVar:

NM_020549.5(CHAT):c.2238C>A (p.His746Gln)

Gene: CHAT (choline O-acetyltransferase; plus strand). Cytogenetic location: 10q11.23.
Variant type: single nucleotide variant.
Coding change: c.2238C>A on transcript NM_020549.5 (MANE Select); coding-DNA position 2238, C replaced by A.
Protein change: p.His746Gln; replaces histidine 746 with glutamine.
Molecular consequence: missense variant.
Genome position (GRCh38, 1-based): chr10:49,665,037, C>A. VCF-style: chr10-49665037-C-A. GRCh37 (hg19) VCF-style: chr10-50873083-C-A.
Other names: c.1884C>A, p.His628Gln (NM_001142929.2, NM_001142934.2, NM_020984.4 and 2 more transcripts); c.1992C>A, p.His664Gln (NM_001142933.2); short protein forms H664Q, H628Q, H746Q.
Identifiers: ClinVar variation 1381167 (VCV001381167.4), dbSNP rs1234288422, ClinGen allele CA376715188.
Genomic context (GRCh38, chr10:49,665,037, plus strand): 5'-GCCTACTGAGAGCAAGCCATTGGCAACAAAGGAAAAAGCCACGAGGCCCAGCCAGGGACA[C>A]CAACCTTGACTCCTGCCACTAGGTTTCACCTCCCAAACCCAGCCTCTAGAACAGCCAGAC-3'
Protein context (NP_065574.4, residues 736-748): KEKATRPSQG[His746Gln]QP

ClinVar aggregate classification (germline): Uncertain significance (1 of 4 stars; one submission).

Conditions:
Familial infantile myasthenia (CMS6). Also called: MYASTHENIC SYNDROME, PRESYNAPTIC, CONGENITAL, ASSOCIATED WITH EPISODIC APNEA; MYASTHENIC SYNDROME, CONGENITAL, 6, PRESYNAPTIC; Congenital myasthenic syndrome type 6. Identifiers: Orphanet 590, MedGen C0393929, MONDO:0009689, OMIM 254210.

Submission:

Labcorp Genetics (formerly Invitae), Labcorp
Classification: Uncertain significance for Familial infantile myasthenia. Last evaluated: 2025-08-18. Review status: criteria provided, single submitter. Criteria: Invitae Variant Classification Sherloc (09022015). Collection method: clinical testing. Allele origin: germline.
Comment: This sequence change replaces histidine, which is basic and polar, with glutamine, which is neutral and polar, at codon 746 of the CHAT protein (p.His746Gln). This variant is not present in population databases (gnomAD no frequency). This variant has not been reported in the literature in individuals affected with CHAT-related conditions. ClinVar contains an entry for this variant (Variation ID: 1381167). Invitae Evidence Modeling of protein sequence and biophysical properties (such as structural, functional, and spatial information, amino acid conservation, physicochemical variation, residue mobility, and thermodynamic stability) indicates that this missense variant is not expected to disrupt CHAT protein function with a negative predictive value of 95%. In summary, the available evidence is currently insufficient to determine the role of this variant in disease. Therefore, it has been classified as a Variant of Uncertain Significance.